The following is an entry in ClinVar:

ClinVar aggregate classification (germline): Uncertain significance (1 of 4 stars; one submission).

Conditions:
Joubert syndrome. Also called: CEREBELLOPARENCHYMAL DISORDER IV; JOUBERT-BOLTSHAUSER SYNDROME; Familial aplasia of the vermis. Identifiers: Orphanet 475, MedGen C5979921, MONDO:0018772.

Allele frequency attached by ClinVar (database versions not stated): TOPMed below 0.00001; gnomAD exomes 0.00002.

Submission:

Labcorp Genetics (formerly Invitae), Labcorp
Classification: Uncertain significance for Joubert syndrome. Last evaluated: 2021-06-12. Review status: criteria provided, single submitter. Criteria: Invitae Variant Classification Sherloc (09022015). Collection method: clinical testing. Allele origin: germline.
Comment: In summary, the available evidence is currently insufficient to determine the role of this variant in disease. Therefore, it has been classified as a Variant of Uncertain Significance. Nucleotide substitutions within the consensus splice site are a relatively common cause of aberrant splicing (PMID: 17576681, 9536098). Algorithms developed to predict the effect of sequence changes on RNA splicing suggest that this variant is not likely to affect RNA splicing, but this prediction has not been confirmed by published transcriptional studies. This variant has not been reported in the literature in individuals with AHI1-related conditions. This variant is not present in population databases (ExAC no frequency). This sequence change falls in intron 8 of the AHI1 gene. It does not directly change the encoded amino acid sequence of the AHI1 protein. It affects a nucleotide within the consensus splice site of the intron.

Literature cited by the submitters: PubMed 17576681; PubMed 9536098.

NM_001134831.2(AHI1):c.1151+5_1151+6insG

Gene: AHI1 (Abelson helper integration site 1; minus strand). Cytogenetic location: 6q23.3.
Variant type: Insertion.
Coding change: c.1151+5_1151+6insG on transcript NM_001134831.2 (MANE Select); bases 5 to 6 of the intron after coding-DNA position 1151, G inserted.
Molecular consequence: intron variant.
Genome position: GRCh38 VCF-style: chr6-135457488-A-AC. GRCh37 (hg19) VCF-style: chr6-135778626-A-AC.
Other names: c.1151+5_1151+6insG (NM_001134830.2, NM_001350503.2, NM_017651.5 and 2 more transcripts).
Identifiers: ClinVar variation 1467622 (VCV001467622.6), dbSNP rs1562218791, ClinGen allele CA917866902.